The following is an entry in ClinVar:

NM_001374828.1(ARID1B):c.419C>T (p.Ser140Leu)

Genes: ARID1B (AT-rich interaction domain 1B; plus strand), LOC115308161 (uncharacterized LOC115308161; minus strand), LOC129997524 (ATAC-STARR-seq lymphoblastoid silent region 17711; plus strand). Cytogenetic location: 6q25.3.
Variant type: single nucleotide variant.
Coding change: c.419C>T on transcript NM_001374828.1 (MANE Select); coding-DNA position 419, C replaced by T.
Protein change: p.Ser140Leu; replaces serine 140 with leucine.
Molecular consequence: missense variant.
Genome position (GRCh38, 1-based): chr6:156,778,099, C>T. VCF-style: chr6-156778099-C-T. GRCh37 (hg19) VCF-style: chr6-157099233-C-T.
Other names: c.170C>T, p.Ser57Leu (NM_001346813.1, NM_020732.3); c.419C>T, p.Ser140Leu (NM_001371656.1, NM_001374820.1, NM_017519.3); c.-5C>T (NM_175863.2); short protein forms S140L, S57L.
Identifiers: ClinVar variation 2194746 (VCV002194746.4), dbSNP rs1478614436, ClinGen allele CA366381266.

ClinVar aggregate classification (germline): Uncertain significance (1 of 4 stars; one submission).

Allele frequency attached by ClinVar (database versions not stated): TOPMed below 0.00001; gnomAD 0.00001.
gnomAD v4.1: 4 of 1,540,606 alleles (0.00026%); highest among the groups gnomAD compares: Admixed American, 0.0059%; no homozygotes.

Submission:

Labcorp Genetics (formerly Invitae), Labcorp
Classification: Uncertain significance. Last evaluated: 2025-09-27. Review status: criteria provided, single submitter. Criteria: Invitae Variant Classification Sherloc (09022015). Collection method: clinical testing. Allele origin: germline.
Comment: This sequence change replaces serine, which is neutral and polar, with leucine, which is neutral and non-polar, at codon 57 of the ARID1B protein (p.Ser57Leu). This variant is not present in population databases (gnomAD no frequency). This variant has not been reported in the literature in individuals affected with ARID1B-related conditions. ClinVar contains an entry for this variant (Variation ID: 2194746). Invitae Evidence Modeling of protein sequence and biophysical properties (such as structural, functional, and spatial information, amino acid conservation, physicochemical variation, residue mobility, and thermodynamic stability) indicates that this missense variant is not expected to disrupt ARID1B protein function with a negative predictive value of 95%. In summary, the available evidence is currently insufficient to determine the role of this variant in disease. Therefore, it has been classified as a Variant of Uncertain Significance.